The following is an entry in ClinVar:

NM_138387.4(G6PC3):c.430G>T (p.Val144Leu)

Gene: G6PC3 (glucose-6-phosphatase catalytic subunit 3; plus strand). Cytogenetic location: 17q21.31.
Variant type: single nucleotide variant.
Coding change: c.430G>T on transcript NM_138387.4 (MANE Select); coding-DNA position 430, G replaced by T.
Protein change: p.Val144Leu; replaces valine 144 with leucine.
Molecular consequence: missense variant. On other transcripts: intron variant (1).
Genome position (GRCh38, 1-based): chr17:44,074,982, G>T. VCF-style: chr17-44074982-G-T. GRCh37 (hg19) VCF-style: chr17-42152350-G-T.
Other names: c.85G>T, p.Val29Leu (NM_001384165.1, NM_001384166.1, NM_001384167.1 and 1 more transcripts); c.416+212G>T (NM_001319945.2); short protein forms V29L, V144L.
Identifiers: ClinVar variation 4620530 (VCV004620530.1).

ClinVar aggregate classification (germline): Uncertain significance (1 of 4 stars; one submission).

Conditions:
Inborn genetic diseases. Identifiers: MedGen C0950123, MeSH D030342.

Submission:

Ambry Genetics
Classification: Uncertain significance for Inborn genetic diseases. Last evaluated: 2025-12-13. Review status: criteria provided, single submitter. Criteria: Ambry Variant Classification Scheme 2023. Collection method: clinical testing. Allele origin: germline.
Comment: The p.V144L variant (also known as c.430G>T), located in coding exon 4 of the G6PC3 gene, results from a G to T substitution at nucleotide position 430. The valine at codon 144 is replaced by leucine, an amino acid with highly similar properties. This amino acid position is conserved. In addition, this alteration is predicted to be tolerated by in silico analysis. Based on the available evidence, the clinical significance of this variant remains unclear.